The following is an entry in ClinVar:

NM_001286577.2(C2CD3):c.4955G>A (p.Ser1652Asn)

Gene: C2CD3 (C2 domain containing 3 centriole elongation regulator; minus strand). Cytogenetic location: 11q13.4.
Variant type: single nucleotide variant.
Coding change: c.4955G>A on transcript NM_001286577.2 (MANE Select); coding-DNA position 4955, G replaced by A.
Protein change: p.Ser1652Asn; replaces serine 1652 with asparagine.
Molecular consequence: missense variant.
Genome position (GRCh38, 1-based): chr11:74,057,541, C>T on the plus strand (G>A on the coding strand, the complement: C2CD3 is on the minus strand). VCF-style: chr11-74057541-C-T. GRCh37 (hg19) VCF-style: chr11-73768586-C-T.
Other names: c.4955G>A, p.Ser1652Asn (NM_015531.6); short protein forms S1652N.
Identifiers: ClinVar variation 2080847 (VCV002080847.4), dbSNP rs1954013275, ClinGen allele CA381830128.
Genomic context (GRCh38, chr11:74,057,541, plus strand): 5'-TCGGCTGTTGCAAAGGATACACAACAACTGGGTATCGATACTTTCCGCTCTGTCAAGGGG[C>T]TCCCTGAAATAGAATAAAGTGCAGTGACTGTACTTTAGGGTACACAAGAAGCCTCAGATT-3'
Protein context (NP_001273506.1, residues 1642-1662): ERAMHLSLKG[Ser1652Asn]PLTERKVSIP

ClinVar aggregate classification (germline): Uncertain significance (1 of 4 stars; one submission).

Allele frequency attached by ClinVar (database versions not stated): TOPMed below 0.00001.
gnomAD v4.1: 8 of 1,614,142 alleles (0.0005%); highest among the groups gnomAD compares: Non-Finnish European, 0.00059%; no homozygotes.

Submission:

Labcorp Genetics (formerly Invitae), Labcorp
Classification: Uncertain significance. Last evaluated: 2022-01-31. Review status: criteria provided, single submitter. Criteria: Invitae Variant Classification Sherloc (09022015). Collection method: clinical testing. Allele origin: germline.
Comment: This variant has not been reported in the literature in individuals affected with C2CD3-related conditions. In summary, the available evidence is currently insufficient to determine the role of this variant in disease. Therefore, it has been classified as a Variant of Uncertain Significance. Algorithms developed to predict the effect of missense changes on protein structure and function are either unavailable or do not agree on the potential impact of this missense change (SIFT: "Tolerated"; PolyPhen-2: "Possibly Damaging"; Align-GVGD: "Class C0"). This variant is not present in population databases (gnomAD no frequency). This sequence change replaces serine, which is neutral and polar, with asparagine, which is neutral and polar, at codon 1652 of the C2CD3 protein (p.Ser1652Asn).